The following is an entry in ClinVar:

ClinVar aggregate classification (germline): Uncertain significance (1 of 4 stars; one submission).

Conditions:
Spastic paraplegia. Identifiers: MedGen C0037772, HP:0001258.

Submission:

Labcorp Genetics (formerly Invitae), Labcorp
Classification: Uncertain significance for Spastic paraplegia. Last evaluated: 2025-03-17. Review status: criteria provided, single submitter. Criteria: Invitae Variant Classification Sherloc (09022015). Collection method: clinical testing. Allele origin: germline.
Comment: This sequence change results in a frameshift in the KDM5C gene (p.Ala1509Cysfs*75). While this is not anticipated to result in nonsense mediated decay, it is expected to disrupt the last 52 amino acid(s) of the KDM5C protein and extend the protein by 22 additional amino acid residues. This variant is not present in population databases (gnomAD no frequency). This variant has not been reported in the literature in individuals affected with KDM5C-related conditions. Experimental studies and prediction algorithms are not available or were not evaluated, and the functional significance of this variant is currently unknown. Algorithms developed to predict the effect of sequence changes on RNA splicing suggest that this variant may create or strengthen a splice site. In summary, the available evidence is currently insufficient to determine the role of this variant in disease. Therefore, it has been classified as a Variant of Uncertain Significance.

NM_004187.5(KDM5C):c.4523dup (p.Ala1509fs)

Gene: KDM5C (lysine demethylase 5C; minus strand). Cytogenetic location: Xp11.22.
Variant type: Duplication.
Coding change: c.4523dup on transcript NM_004187.5 (MANE Select); coding-DNA position 4523, one base duplicated (C; older notation c.4523dupC).
Protein change: p.Ala1509fs; shifts the reading frame from alanine 1509.
Molecular consequence: frameshift variant. On other transcripts: intron variant (5).
Genome position (GRCh38, 1-based): chrX:53,193,127, G duplicated on the plus strand (C on the coding strand, the reverse complement: KDM5C is on the minus strand); the first of 6 consecutive G bases (chrX:53,193,127-53,193,132); duplicating any one gives the same sequence. VCF-style (leftmost placement, unchanged base first): chrX-53193126-A-AG. GRCh37 (hg19) VCF-style: chrX-53222308-A-AG.
Other names: c.4520dup, p.Ala1508fs (NM_001282622.3); c.4514dup, p.Ala1506fs (NM_001353978.3); c.4305+310dup (NM_001353982.2); c.4314+310dup (NM_001353979.2); c.4308+310dup (NM_001353981.2, NM_001353984.2); c.4047-290dup (NM_001146702.2); short protein forms A1506fs, A1508fs, A1509fs.
Identifiers: ClinVar variation 3648574 (VCV003648574.2).
Genomic context (GRCh38, chrX:53,193,126, plus strand): 5'-CGGTTCCAAGCCATTCTGGTTCTCCTGGGTGCTGGGGCTGCCAGTGGTGGGGATGGGTGC[A>AG]GGGGGGCCCTCACCCCCAGTCTCCTCCTCCAGCTCTTCCTCCTCCTGGACCTCCTCAGCC-3'